The following is an entry in ClinVar:

ClinVar aggregate classification (germline): Likely benign. Review status: reviewed by expert panel (3 of 4 stars). 5 submissions from 5 submitters: Likely benign (1). 4 of the submissions do not count toward it. Last evaluated 2023-12-19.

Conditions:
Glanzmann thrombasthenia. Also called: PLATELET GLYCOPROTEIN IIb-IIIa DEFICIENCY; THROMBASTHENIA OF GLANZMANN AND NAEGELI; Glanzmann's thrombasthenia; Thrombasthenia. Identifiers: Orphanet 849, MedGen C0040015, MONDO:0100326.

Allele frequency attached by ClinVar (database versions not stated): ESP Exome Variant Server 0.00023; gnomAD exomes 0.00044 and 0.00062; gnomAD 0.00053 and 0.00058; 1000 Genomes Project 30x 0.00062; ExAC 0.00068; TOPMed 0.00070; 1000 Genomes Project 0.00080.
gnomAD v4.1: 757 of 1,614,182 alleles (0.047%); highest among the groups gnomAD compares: Middle Eastern, 0.3%; 4 homozygotes.

Submissions (5):

ClinGen Platelet Disorders Variant Curation Expert Panel, ClinGen
Classification: Likely benign for Glanzmann thrombasthenia. Last evaluated: 2023-12-19. Review status: reviewed by expert panel. Criteria: ClinGen Platelet ACMG Specifications v2-1. Collection method: curation. Allele origin: germline. Inheritance: Autosomal recessive inheritance.
Comment: The NM_000212.2(ITGB3):c.1299C>T (p.Pro433=) synonymous variant was observed by Illumina as part of a predisposition screen in an ostensibly healthy population and has been reported in the literature in a healthy cohort (PMID: 27965976) but has not been reported in a Glanzmann thrombasthenia patient. In gnomAD v4.0.0 the minor allele frequency is 0.001910 (174/91086 alleles) in the South Asian population, which meets the BS1 threshold (>0.00158). Splicing prediction algorithms (MaxEntScan, HSF, and SpliceAI) predict no impact on splicing (BP4) and the nucleotide is not highly conserved (phyloP score 0.129449; BP7). In summary this variant meets criteria to be classified as likely benign. GT-specific criteria applied: BS1, BP4 and BP7.

Labcorp Genetics (formerly Invitae), Labcorp
Classification: Likely benign. Last evaluated: 2026-01-26. Review status: criteria provided, single submitter. Criteria: Invitae Variant Classification Sherloc (09022015). Collection method: clinical testing. Allele origin: germline. Not counted in ClinVar's aggregate classification.

Blueprint Genetics
Classification: Likely benign. Last evaluated: 2024-11-26. Review status: criteria provided, single submitter. Criteria: ACMG Guidelines, 2015. Collection method: clinical testing. Allele origin: germline. Not counted in ClinVar's aggregate classification.

CeGaT Center for Human Genetics Tuebingen
Classification: Likely benign. Last evaluated: 2024-06-01. Review status: criteria provided, single submitter. Criteria: CeGaT Center For Human Genetics Tuebingen Variant Classification Criteria Version 2. Collection method: clinical testing. Allele origin: germline. Affected: yes. Observed: 3 variant alleles. Not counted in ClinVar's aggregate classification.
Comment: ITGB3: BP4, BP7

Illumina Laboratory Services, Illumina
Classification: Uncertain significance for Glanzmann thrombasthenia 1. Last evaluated: 2018-01-12. Review status: criteria provided, single submitter. Criteria: ICSL Variant Classification Criteria 13 December 2019. Collection method: clinical testing. Allele origin: germline. Not counted in ClinVar's aggregate classification.

NM_000212.3(ITGB3):c.1299C>T (p.Pro433=)

Gene: ITGB3 (integrin subunit beta 3; plus strand). Cytogenetic location: 17q21.32.
Variant type: single nucleotide variant.
Coding change: c.1299C>T on transcript NM_000212.3 (MANE Select); coding-DNA position 1299, C replaced by T.
Protein change: p.Pro433=; no amino-acid change (proline 433 retained).
Molecular consequence: synonymous variant.
Genome position (GRCh38, 1-based): chr17:47,292,177, C>T. VCF-style: chr17-47292177-C-T. GRCh37 (hg19) VCF-style: chr17-45369543-C-T.
Other names: c.1299C>T (NM_000212.2).
Identifiers: ClinVar variation 323866 (VCV000323866.40), dbSNP rs200857868, ClinGen allele CA8623241.